The following is an entry in ClinVar:

NM_014974.3(DIP2C):c.1894G>A (p.Asp632Asn)

Gene: DIP2C (DIP2 acetate--CoA ligase C (putative); minus strand). Cytogenetic location: 10p15.3.
Variant type: single nucleotide variant.
Coding change: c.1894G>A on transcript NM_014974.3 (MANE Select); coding-DNA position 1894, G replaced by A.
Protein change: p.Asp632Asn; replaces aspartic acid 632 with asparagine.
Molecular consequence: missense variant.
Genome position (GRCh38, 1-based): chr10:382,744, C>T on the plus strand (G>A on the coding strand, the complement: DIP2C is on the minus strand). VCF-style: chr10-382744-C-T. GRCh37 (hg19) VCF-style: chr10-428684-C-T.
Other names: short protein forms D632N.
Identifiers: ClinVar variation 1480824 (VCV001480824.6), dbSNP rs754698560, ClinGen allele CA5380700.

ClinVar aggregate classification (germline): Uncertain significance (1 of 4 stars; one submission).

Allele frequency attached by ClinVar (database versions not stated): gnomAD exomes below 0.00001 and 0.00001; TOPMed below 0.00001; ExAC 0.00001; gnomAD 0.00001.
gnomAD v4.1: 6 of 1,612,398 alleles (0.00037%); highest among the groups gnomAD compares: South Asian, 0.0011%; no homozygotes.

Submission:

Labcorp Genetics (formerly Invitae), Labcorp
Classification: Uncertain significance. Last evaluated: 2024-02-24. Review status: criteria provided, single submitter. Criteria: Invitae Variant Classification Sherloc (09022015). Collection method: clinical testing. Allele origin: germline.
Comment: This sequence change replaces aspartic acid, which is acidic and polar, with asparagine, which is neutral and polar, at codon 632 of the DIP2C protein (p.Asp632Asn). The frequency data for this variant in the population databases is considered unreliable, as metrics indicate poor data quality at this position in the gnomAD database. This variant has not been reported in the literature in individuals affected with DIP2C-related conditions. ClinVar contains an entry for this variant (Variation ID: 1480824). An algorithm developed to predict the effect of missense changes on protein structure and function (PolyPhen-2) suggests that this variant is likely to be disruptive. In summary, the available evidence is currently insufficient to determine the role of this variant in disease. Therefore, it has been classified as a Variant of Uncertain Significance.